The following is an entry in ClinVar:

NM_018557.3(LRP1B):c.2850C>T (p.Asp950=)

Gene: LRP1B (LDL receptor related protein 1B; minus strand). Cytogenetic location: 2q22.1.
Variant type: single nucleotide variant.
Coding change: c.2850C>T on transcript NM_018557.3 (MANE Select); coding-DNA position 2850, C replaced by T.
Protein change: p.Asp950=; no amino-acid change (aspartic acid 950 retained).
Molecular consequence: synonymous variant.
Genome position (GRCh38, 1-based): chr2:140,982,197, G>A on the plus strand (C>T on the coding strand, the complement: LRP1B is on the minus strand). VCF-style: chr2-140982197-G-A. GRCh37 (hg19) VCF-style: chr2-141739766-G-A.
Identifiers: ClinVar variation 3039636 (VCV003039636.2), dbSNP rs113154312, ClinGen allele CA1895604.
Genomic context (GRCh38, chr2:140,982,197, plus strand): 5'-AACATGTCTCACTCACAACTTACCACAAGATGCCATTTCATCTGTCTGGTCACCACAGTC[G>A]TCTTCCCTGTCACACAGCCATGCTCTGGGAATGCAACGCCCATTTCCGCAAGAAAACTGG-3'
Protein context (NP_061027.2, residues 940-960): IPRAWLCDRE[Asp950=]DCGDQTDEMA

ClinVar aggregate classification (germline): Likely benign (0 of 4 stars; one submission).

Conditions:
LRP1B-related disorder. Also called: LRP1B-related condition.

Allele frequency attached by ClinVar (database versions not stated): ExAC 0.00092; 1000 Genomes Project 30x 0.00203; 1000 Genomes Project 0.00220; gnomAD 0.00278; ESP Exome Variant Server 0.00323; TOPMed 0.00349.
gnomAD v4.1: 933 of 1,613,198 alleles (0.058%); highest among the groups gnomAD compares: African/African-American, 0.98%; 1 homozygote.

Submission:

PreventionGenetics, part of Exact Sciences
Classification: Likely benign for LRP1B-related condition. Last evaluated: 2019-04-01. Review status: no assertion criteria provided. Collection method: clinical testing. Allele origin: germline.
Comment: This variant is classified as likely benign based on ACMG/AMP sequence variant interpretation guidelines (Richards et al. 2015 PMID: 25741868, with internal and published modifications).